The following is an entry in ClinVar:

ClinVar aggregate classification (germline): Likely pathogenic. Review status: criteria provided, multiple submitters, no conflicts (2 of 4 stars). 4 submissions from 4 submitters: Likely pathogenic (3). 1 of the submissions does not count toward it. Last evaluated 2025-04-22.

Conditions:
Retinoblastoma (RB1). Also called: RETINOBLASTOMA, SOMATIC. Identifiers: Orphanet 790, MedGen C0035335, MeSH D012175, MONDO:0008380, OMIM 180200, HP:0009919. Disease mechanism: loss of function. Inheritance: Both sporadic and heritable forms are tested..

Submissions (4):

Labcorp Genetics (formerly Invitae), Labcorp
Classification: Likely pathogenic for Retinoblastoma. Last evaluated: 2025-04-22. Review status: criteria provided, single submitter. Criteria: Invitae Variant Classification Sherloc (09022015). Collection method: clinical testing. Allele origin: germline.
Comment: This variant occurs in a non-coding region of the RB1 gene. It does not change the encoded amino acid sequence of the RB1 protein. This variant is not present in population databases (gnomAD no frequency). This variant has been observed in individuals with retinoblastoma (PMID: 1881452, 12541220; internal data). Algorithms developed to predict the effect of variants on gene product structure and function are not available or were not evaluated for this variant. This variant is expected to affect transcription factor binding sites (SP1, ATF) in the RB1 promoter region and disruption of these binding sites affects RB1 transcription activity (PMID: 8049153, 8183566, 1881452, 33258708). A different variant within the promoter region (c.-198G>A) has been determined to be pathogenic (PMID: 1881452, 20447117, 10673998, internal data). In summary, the currently available evidence indicates that the variant is pathogenic, but additional data are needed to prove that conclusively. Therefore, this variant has been classified as Likely Pathogenic.

Genetic Diagnostic Laboratory, University of Pennsylvania School of Medicine
Classification: Likely pathogenic for Retinoblastoma. Last evaluated: 2024-05-20. Review status: criteria provided, single submitter. Criteria: ACMG Guidelines, 2015. Collection method: clinical testing. Allele origin: germline. Affected: yes. Observed: 1 variant allele.
Comment: Case and Pedigree Information: BILATERAL CASES:0, UNILATERAL CASES:1, TOTAL CASES:1, PEDIGREES:1. ACMG Codes Applied:PS3, PM2, PS4SUP, PP5

Department of Pathology and Laboratory Medicine, Sinai Health System
Classification: Likely pathogenic for retinoblastoma. Review status: criteria provided, single submitter. Criteria: ACMG Guidelines, 2015. Collection method: clinical testing. Allele origin: germline.

OMIM
Classification: Pathogenic for RETINOBLASTOMA. Last evaluated: 1991-09-05. Review status: no assertion criteria provided. Collection method: literature only. Allele origin: germline. Not counted in ClinVar's aggregate classification.

Literature cited by the submitters: PubMed 1881452 (cited by Labcorp Genetics (formerly Invitae), Labcorp and OMIM); PubMed 12541220 (cited by Labcorp Genetics (formerly Invitae), Labcorp); PubMed 8049153 (cited by Labcorp Genetics (formerly Invitae), Labcorp); PubMed 8183566 (cited by Labcorp Genetics (formerly Invitae), Labcorp); PubMed 33258708 (cited by Labcorp Genetics (formerly Invitae), Labcorp); PubMed 20447117 (cited by Labcorp Genetics (formerly Invitae), Labcorp); PubMed 10673998 (cited by Labcorp Genetics (formerly Invitae), Labcorp).

NC_000013.11:g.48303724G>T

Gene: RB1 (RB transcriptional corepressor 1; plus strand). Cytogenetic location: 13q14.2.
Variant type: single nucleotide variant.
Genome position: GRCh38 VCF-style: chr13-48303724-G-T. GRCh37 (hg19) VCF-style: chr13-48877860-G-T.
Other names: c.-189G>T (NM_000321.3).
Identifiers: ClinVar variation 13085 (VCV000013085.4), dbSNP rs387906520, ClinGen allele CA026384.
Genomic context (GRCh38, chr13:48,303,724, plus strand): 5'-CCCCACAGACGCCGGCGGGCCCGGGAGCCTCGCGGACGTGACGCCGCGGGCGGAAGTGAC[G>T]TTTTCCCGCGGTTGGACGCGGCGCTCAGTTGCCGGGCGGGGGAGGGCGCGTCCGGTTTTT-3'